The following is an entry in ClinVar:

NM_000091.5(COL4A3):c.3707_3708del (p.Gly1236fs)

Genes: MFF-DT (MFF divergent transcript; minus strand), COL4A3 (collagen type IV alpha 3 chain; plus strand). Cytogenetic location: 2q36.3.
Variant type: Deletion.
Coding change: c.3707_3708del on transcript NM_000091.5 (MANE Select); coding-DNA positions 3707 to 3708, 2 bases deleted (GC; older notation c.3707_3708delGC).
Protein change: p.Gly1236fs; shifts the reading frame from glycine 1236.
Molecular consequence: frameshift variant.
Genome position (GRCh38, 1-based): chr2:227,297,815-227,297,816, GC deleted. VCF-style (leftmost placement, unchanged base first): chr2-227297814-GGC-G. GRCh37 (hg19) VCF-style: chr2-228162530-GGC-G.
Other names: c.3707_3708delGC, p.Gly1236Alafs (NM_000091.4); short protein forms G1236fs.
Identifiers: ClinVar variation 4817255 (VCV004817255.1).

ClinVar aggregate classification (germline): Likely pathogenic (1 of 4 stars; one submission).

Conditions:
Alport syndrome. Also called: Hemorrhagic familial nephritis; Hemorrhagic hereditary nephritis; Congenital hereditary hematuria. Identifiers: Orphanet 63, MedGen C1567741, MONDO:0018965.

Submission:

Natera, Inc.
Classification: Likely pathogenic for Alport syndrome. Last evaluated: 2024-09-09. Review status: criteria provided, single submitter. Criteria: Natera Variant Classification Schema (03/2026). Collection method: clinical testing. Allele origin: germline.
Comment: The c.3707_3708del variant in COL4A3 is a frameshift variant predicted to shift the reading frame beginning at codon 1236 and leads to a stop codon 72 codons downstream. This variant is expected to result in nonsense mediated decay, truncation, or a dysfunctional protein product. This variant is rare in the general population with a frequency below the threshold expected for the associated phenotype(s). Given the available evidence, this variant is classified as Likely Pathogenic.